The following is an entry in ClinVar:

NM_000166.6(GJB1):c.541G>C (p.Val181Leu)

Gene: GJB1 (gap junction protein beta 1; plus strand). Cytogenetic location: Xq13.1.
Variant type: single nucleotide variant.
Coding change: c.541G>C on transcript NM_000166.6 (MANE Select); coding-DNA position 541, G replaced by C.
Protein change: p.Val181Leu; replaces valine 181 with leucine.
Molecular consequence: missense variant.
Genome position (GRCh38, 1-based): chrX:71,224,248, G>C. VCF-style: chrX-71224248-G-C. GRCh37 (hg19) VCF-style: chrX-70444098-G-C.
Other names: c.541G>C, p.Val181Leu (NM_001097642.3); short protein forms V181L.
Identifiers: ClinVar variation 637662 (VCV000637662.2), dbSNP rs879253909, ClinGen allele CA413503072.

ClinVar aggregate classification (germline): Likely pathogenic. Review status: criteria provided, single submitter (1 of 4 stars). 2 submissions from 2 submitters: Likely pathogenic (1). 1 of the submissions does not count toward it. Last evaluated 2020-02-20.

Conditions:
Charcot-Marie-Tooth disease. Also called: Charcot-Marie-Tooth Hereditary Neuropathy; Charcot-Marie-Tooth Neuropathy. Identifiers: Orphanet 166, MedGen C0007959, MONDO:0015626.

Submissions (2):

Athena Diagnostics
Classification: Likely pathogenic. Last evaluated: 2020-02-20. Review status: criteria provided, single submitter. Criteria: Athena Diagnostics Criteria. Collection method: clinical testing. Allele origin: unknown.
Comment: Not found in the total gnomAD dataset, and the data is high quality. Found in at least one patient with expected phenotype for this gene. Predicted to have a damaging effect on the protein. One other pathogenic or likely pathogenic variant affects the same amino acid. Located in a critically important domain of the protein.

Inherited Neuropathy Consortium
Classification: Uncertain significance for Charcot-Marie-Tooth disease. Review status: no assertion criteria provided. Collection method: literature only. Allele origin: germline. Affected: yes. Not counted in ClinVar's aggregate classification.

Literature cited by the submitters: PubMed 18380028 (cited by Athena Diagnostics and Inherited Neuropathy Consortium).